The following is an entry in ClinVar:

NM_003126.4(SPTA1):c.3670C>T (p.Arg1224Trp)

Gene: SPTA1 (spectrin alpha, erythrocytic 1; minus strand). Cytogenetic location: 1q23.1.
Variant type: single nucleotide variant.
Coding change: c.3670C>T on transcript NM_003126.4 (MANE Select); coding-DNA position 3670, C replaced by T.
Protein change: p.Arg1224Trp; replaces arginine 1224 with tryptophan.
Molecular consequence: missense variant.
Genome position (GRCh38, 1-based): chr1:158,648,553, G>A on the plus strand (C>T on the coding strand, the complement: SPTA1 is on the minus strand). VCF-style: chr1-158648553-G-A. GRCh37 (hg19) VCF-style: chr1-158618343-G-A.
Other names: short protein forms R1224W.
Identifiers: ClinVar variation 1302982 (VCV001302982.5), dbSNP rs567984472, ClinGen allele CA1182976.

ClinVar aggregate classification (germline): Uncertain significance. Review status: criteria provided, multiple submitters, no conflicts (2 of 4 stars). 3 submissions from 3 submitters: Uncertain significance (3). Last evaluated 2025-05-19.

Allele frequency attached by ClinVar (database versions not stated): gnomAD 0.00009 and 0.00012; TOPMed 0.00012; 1000 Genomes Project 30x 0.00031; 1000 Genomes Project 0.00040.
gnomAD v4.1: 187 of 1,613,974 alleles (0.012%); highest among the groups gnomAD compares: South Asian, 0.16%; 2 homozygotes.

Submissions (3):

Ambry Genetics
Classification: Uncertain significance. Last evaluated: 2025-05-19. Review status: criteria provided, single submitter. Criteria: Ambry Variant Classification Scheme 2023. Collection method: clinical testing. Allele origin: germline.

Revvity Omics, Revvity
Classification: Uncertain significance. Last evaluated: 2023-08-01. Review status: criteria provided, single submitter. Criteria: ACMG Guidelines, 2015. Collection method: clinical testing. Allele origin: germline.

GeneDx
Classification: Uncertain significance. Last evaluated: 2019-07-02. Review status: criteria provided, single submitter. Criteria: GeneDx Variant Classification Process June 2021. Collection method: clinical testing. Allele origin: germline. Affected: yes.
Comment: In silico analysis, which includes protein predictors and evolutionary conservation, supports a deleterious effect; Has not been previously published as pathogenic or benign to our knowledge